The following is an entry in ClinVar:

ClinVar aggregate classification (germline): Benign. Review status: criteria provided, multiple submitters, no conflicts (2 of 4 stars). 3 submissions from 3 submitters: Benign (2). 1 of the submissions does not count toward it. Last evaluated 2019-12-31.

Conditions:
FDFT1-related disorder. Also called: FDFT1-related condition.

Allele frequency attached by ClinVar (database versions not stated): gnomAD exomes 0.00286; ExAC 0.00385; gnomAD 0.01117 and 0.01198; 1000 Genomes Project 0.01118; 1000 Genomes Project 30x 0.01249; TOPMed 0.01251; ESP Exome Variant Server 0.01253.

Submissions (3):

Labcorp Genetics (formerly Invitae), Labcorp
Classification: Benign. Last evaluated: 2019-12-31. Review status: criteria provided, single submitter. Criteria: Invitae Variant Classification Sherloc (09022015). Collection method: clinical testing. Allele origin: germline.

Breakthrough Genomics
Classification: Benign. Review status: criteria provided, single submitter. Criteria: ACMG Guidelines, 2015. Collection method: not provided. Allele origin: germline. Inheritance: Autosomal recessive inheritance. Affected: yes.

PreventionGenetics, part of Exact Sciences
Classification: Benign for FDFT1-related condition. Last evaluated: 2019-03-12. Review status: no assertion criteria provided. Collection method: clinical testing. Allele origin: germline. Not counted in ClinVar's aggregate classification.
Comment: This variant is classified as benign based on ACMG/AMP sequence variant interpretation guidelines (Richards et al. 2015 PMID: 25741868, with internal and published modifications).

NM_004462.5(FDFT1):c.181C>T (p.Leu61=)

Gene: FDFT1 (farnesyl-diphosphate farnesyltransferase 1). Cytogenetic location: 8p23.1.
Variant type: single nucleotide variant.
Coding change: c.181C>T on transcript NM_004462.5 (MANE Select); coding-DNA position 181, C replaced by T.
Protein change: p.Leu61=; no amino-acid change (leucine 61 retained).
Molecular consequence: synonymous variant. On other transcripts: 5 prime UTR variant (3), intron variant (1).
Genome position (GRCh38, 1-based): chr8:11,808,875, C>T. VCF-style: chr8-11808875-C-T. GRCh37 (hg19) VCF-style: chr8-11666384-C-T.
Other names: c.181C>T, p.Leu61= (NM_001287742.2, NM_001287743.2); c.-12C>T (NM_001287744.2, NM_001287745.2, NM_001287747.2 and 2 more transcripts); c.358C>T, p.Leu120= (NM_001287750.2); c.64+5965C>T (NM_001287756.2); c.358C>T (NM_001287750.1).
Identifiers: ClinVar variation 778373 (VCV000778373.7), dbSNP rs11549151, ClinGen allele CA4631633.